The following is an entry in ClinVar:

ClinVar aggregate classification (germline): Likely benign. Review status: criteria provided, multiple submitters, no conflicts (2 of 4 stars). 2 submissions from 2 submitters: Likely benign (2). Last evaluated 2022-04-01.

Conditions:
Inborn genetic diseases. Identifiers: MedGen C0950123, MeSH D030342.

Allele frequency attached by ClinVar (database versions not stated): ExAC 0.00052; gnomAD exomes 0.00068; ESP Exome Variant Server 0.00189; 1000 Genomes Project 30x 0.01171.
gnomAD v4.1: 1,090 of 1,600,830 alleles (0.068%); highest among the groups gnomAD compares: African/African-American, 1.5%; 44 homozygotes.

Submissions (2):

CeGaT Center for Human Genetics Tuebingen
Classification: Likely benign. Last evaluated: 2022-04-01. Review status: criteria provided, single submitter. Criteria: CeGaT Center For Human Genetics Tuebingen Variant Classification Criteria Version 2. Collection method: clinical testing. Allele origin: germline. Affected: yes. Observed: 1 variant allele.
Comment: FLG: BP4, BS2

Ambry Genetics
Classification: Likely benign for Inborn genetic diseases. Last evaluated: 2021-09-17. Review status: criteria provided, single submitter. Criteria: Ambry Variant Classification Scheme 2023. Collection method: clinical testing. Allele origin: germline.

NM_002016.2(FLG):c.8648G>C (p.Arg2883Thr)

Genes: CCDST (cervical cancer associated DHX9 suppressive transcript; plus strand), FLG (filaggrin; minus strand). Cytogenetic location: 1q21.3.
Variant type: single nucleotide variant.
Coding change: c.8648G>C on transcript NM_002016.2 (MANE Select); coding-DNA position 8648, G replaced by C.
Protein change: p.Arg2883Thr; replaces arginine 2883 with threonine.
Molecular consequence: missense variant.
Genome position (GRCh38, 1-based): chr1:152,306,238, C>G on the plus strand (G>C on the coding strand, the complement: FLG is on the minus strand). VCF-style: chr1-152306238-C-G. GRCh37 (hg19) VCF-style: chr1-152278714-C-G.
Other names: short protein forms R2883T.
Identifiers: ClinVar variation 2371247 (VCV002371247.26), dbSNP rs150721646, ClinGen allele CA1104102.